The following is an entry in ClinVar:

ClinVar aggregate classification (germline): Uncertain significance. Review status: criteria provided, multiple submitters, no conflicts (2 of 4 stars). 2 submissions from 2 submitters: Uncertain significance (2). Last evaluated 2019-06-17.

Conditions:
Hereditary cancer-predisposing syndrome. Also called: Neoplastic Syndromes, Hereditary; Hereditary Cancer Syndrome; Hereditary neoplastic syndrome; Tumor predisposition. Identifiers: Orphanet 140162, MedGen C0027672, MeSH D009386, MONDO:0015356.
Ataxia-telangiectasia syndrome (AT). Also called: LOUIS-BAR SYNDROME; Ataxia-telangiectasia, complementation group E; Ataxia-telangiectasia, complementation group D; AT, COMPLEMENTATION GROUP C; Ataxia telangiectasia (A-T); Cerebello-oculocutaneous telangiectasia. Identifiers: Orphanet 100, MedGen C0004135, MONDO:0008840, OMIM 208900.

Submissions (2):

Color Diagnostics, LLC DBA Color Health
Classification: Uncertain significance for Hereditary cancer-predisposing syndrome. Last evaluated: 2019-06-17. Review status: criteria provided, single submitter. Criteria: ACMG Guidelines, 2015. Collection method: clinical testing. Allele origin: germline.

Labcorp Genetics (formerly Invitae), Labcorp
Classification: Uncertain significance for Ataxia-telangiectasia syndrome. Last evaluated: 2018-09-04. Review status: criteria provided, single submitter. Criteria: Invitae Variant Classification Sherloc (09022015). Collection method: clinical testing. Allele origin: germline.
Comment: In summary, the available evidence is currently insufficient to determine the role of this variant in disease. Therefore, it has been classified as a Variant of Uncertain Significance. This sequence change replaces leucine with valine at codon 1493 of the ATM protein (p.Leu1493Val). The leucine residue is highly conserved and there is a small physicochemical difference between leucine and valine. This variant is not present in population databases (ExAC no frequency). This variant has been observed in several individuals affected with breast cancer (PMID: 19781682, 17393301). Algorithms developed to predict the effect of missense changes on protein structure and function (SIFT, PolyPhen-2, Align-GVGD) all suggest that this variant is likely to be tolerated, but these predictions have not been confirmed by published functional studies and their clinical significance is uncertain.

Literature cited by the submitters: PubMed 19781682 (cited by Labcorp Genetics (formerly Invitae), Labcorp); PubMed 17393301 (cited by Labcorp Genetics (formerly Invitae), Labcorp).

NM_000051.4(ATM):c.4477C>G (p.Leu1493Val)

Gene: ATM (ATM serine/threonine kinase; plus strand). Cytogenetic location: 11q22.3.
Variant type: single nucleotide variant.
Coding change: c.4477C>G on transcript NM_000051.4 (MANE Select); coding-DNA position 4477, C replaced by G.
Protein change: p.Leu1493Val; replaces leucine 1493 with valine.
Molecular consequence: missense variant.
Genome position (GRCh38, 1-based): chr11:108,292,659, C>G. VCF-style: chr11-108292659-C-G. GRCh37 (hg19) VCF-style: chr11-108163386-C-G.
Other names: c.4477C>G, p.Leu1493Val (NM_001351834.2); short protein forms L1493V.
Identifiers: ClinVar variation 644374 (VCV000644374.11), dbSNP rs377595814, ClinGen allele CA382533230.
Genomic context (GRCh38, chr11:108,292,659, plus strand): 5'-TTTTTTTCTCCCTATATTAGGCCTTCTTGTATCATGGATGTGTCATTACGTAGCTTCTCC[C>G]TTTGTTGTGACTTATTAAGTCAGGTTTGCCAGACAGCCGTGACTTACTGTAAGGATGCTC-3'
Protein context (NP_000042.3, residues 1483-1503): IMDVSLRSFS[Leu1493Val]CCDLLSQVCQ